The following is an entry in ClinVar:

ClinVar aggregate classification (germline): Likely benign. Review status: criteria provided, multiple submitters, no conflicts (2 of 4 stars). 4 submissions from 4 submitters: Likely benign (3). 1 of the submissions does not count toward it. Last evaluated 2025-02-25.

Conditions:
DHX37-related disorder. Also called: DHX37-Related Disorders; DHX37-related condition.

Allele frequency attached by ClinVar (database versions not stated): gnomAD exomes 0.00014 and 0.00060; gnomAD 0.00022 and 0.00025; TOPMed 0.00029; ExAC 0.00053; 1000 Genomes Project 30x 0.00109; 1000 Genomes Project 0.00120.
gnomAD v4.1: 295 of 1,614,144 alleles (0.018%); highest among the groups gnomAD compares: East Asian, 0.49%; 1 homozygote.

Submissions (4):

Labcorp Genetics (formerly Invitae), Labcorp
Classification: Likely benign. Last evaluated: 2025-02-25. Review status: criteria provided, single submitter. Criteria: Invitae Variant Classification Sherloc (09022015). Collection method: clinical testing. Allele origin: germline.

CeGaT Center for Human Genetics Tuebingen
Classification: Likely benign. Last evaluated: 2022-10-01. Review status: criteria provided, single submitter. Criteria: CeGaT Center For Human Genetics Tuebingen Variant Classification Criteria Version 2. Collection method: clinical testing. Allele origin: germline. Affected: yes. Observed: 1 variant allele.
Comment: DHX37: BP4

Breakthrough Genomics
Classification: Likely benign. Review status: criteria provided, single submitter. Criteria: ACMG Guidelines, 2015. Collection method: not provided. Allele origin: germline. Inheritance: Autosomal recessive inheritance. Affected: yes.

PreventionGenetics, part of Exact Sciences
Classification: Benign for DHX37-related condition. Last evaluated: 2020-01-20. Review status: no assertion criteria provided. Collection method: clinical testing. Allele origin: germline. Not counted in ClinVar's aggregate classification.
Comment: This variant is classified as benign based on ACMG/AMP sequence variant interpretation guidelines (Richards et al. 2015 PMID: 25741868, with internal and published modifications).

NM_032656.4(DHX37):c.182C>T (p.Ala61Val)

Gene: DHX37 (DEAH-box helicase 37; minus strand). Cytogenetic location: 12q24.31.
Variant type: single nucleotide variant.
Coding change: c.182C>T on transcript NM_032656.4 (MANE Select); coding-DNA position 182, C replaced by T.
Protein change: p.Ala61Val; replaces alanine 61 with valine.
Molecular consequence: missense variant.
Genome position (GRCh38, 1-based): chr12:124,986,190, G>A on the plus strand (C>T on the coding strand, the complement: DHX37 is on the minus strand). VCF-style: chr12-124986190-G-A. GRCh37 (hg19) VCF-style: chr12-125470736-G-A.
Other names: short protein forms A61V.
Identifiers: ClinVar variation 716809 (VCV000716809.33), dbSNP rs187998730, ClinGen allele CA6872530.